The following is an entry in ClinVar:

NM_032578.4(MYPN):c.3916G>A (p.Val1306Met)

Gene: MYPN (myopalladin; plus strand). Cytogenetic location: 10q21.3.
Variant type: single nucleotide variant.
Coding change: c.3916G>A on transcript NM_032578.4 (MANE Select); coding-DNA position 3916, G replaced by A.
Protein change: p.Val1306Met; replaces valine 1306 with methionine.
Molecular consequence: missense variant. On other transcripts: non-coding transcript variant (2).
Genome position (GRCh38, 1-based): chr10:68,210,408, G>A. VCF-style: chr10-68210408-G-A. GRCh37 (hg19) VCF-style: chr10-69970165-G-A.
Other names: p.V1306M:GTG>ATG; c.3916G>A, p.Val1306Met (NM_001256267.2); c.3034G>A, p.Val1012Met (NM_001256268.2); c.3916G>A (NM_032578.2); short protein forms V1306M, V1012M.
Identifiers: ClinVar variation 201877 (VCV000201877.3), dbSNP rs759710828, ClinGen allele CA335280.

ClinVar aggregate classification (germline): Uncertain significance. Review status: criteria provided, multiple submitters, no conflicts (2 of 4 stars). 2 submissions from 2 submitters: Uncertain significance (2). Last evaluated 2024-12-30.

Conditions:
Cardiovascular phenotype. Identifiers: MedGen CN230736.

Allele frequency attached by ClinVar (database versions not stated): ExAC 0.00001; gnomAD exomes 0.00001 and below 0.00001.
gnomAD v4.1: 2 of 1,614,202 alleles (0.00012%); highest among the groups gnomAD compares: South Asian, 0.0011%; no homozygotes.

Submissions (2):

Ambry Genetics
Classification: Uncertain significance for Cardiovascular phenotype. Last evaluated: 2024-12-30. Review status: criteria provided, single submitter. Criteria: Ambry Variant Classification Scheme 2023. Collection method: clinical testing. Allele origin: germline.

GeneDx
Classification: Uncertain significance. Last evaluated: 2014-04-03. Review status: criteria provided, single submitter. Criteria: GeneDx Variant Classification (06012015). Collection method: clinical testing. Allele origin: germline. Affected: yes.
Comment: This variant is denoted p.Val1306Met (GTG>ATG): c.3916 G>A in exon 20 of the MYPN gene (NM_032578.3). Mutations in the MYPN gene have been reported previously in association with familial cardiomyopathy (Duboscq-Bidot, L et al., 2008; Purevjav E at al., 2012; Meyer T et al., 2013). The prevalence of MYPN mutations in familial cardiomyopathy is currently unknown. The V1306M variant has not been published as a mutation, nor has it been reported as a benign polymorphism to our knowledge. The V1306M variant is a conservative amino acid substitution, which is not likely to impact secondary protein structure as these residues share similar properties. This substitution occurs at a position that is moderately conserved across species; however M1306 is present in rats and hedgehogs. In silico analysis predicts this variant likely does not alter the protein structure/function. Furthermore, no missense mutations in nearby residues have been reported in association with cardiomyopathy, suggesting this region of the protein may be tolerant of change. Nevertheless, the V1306M variant was not observed in approximately 6,500 individuals of European and African American ancestry in the NHLBI Exome Sequencing Project, indicating it is not a common benign variant in these populations. Therefore, based on the currently available information, it is unclear whether this variant is a pathogenic mutation or a rare benign variant. The variant is found in CARDIOMYOPATHY panel(s).